The following is an entry in ClinVar:

ClinVar aggregate classification (germline): Pathogenic (1 of 4 stars; one submission).

Conditions:
Asphyxiating thoracic dystrophy 3. Also called: SHORT-RIB THORACIC DYSPLASIA 3 WITH OR WITHOUT POLYDACTYLY; POLYDACTYLY WITH NEONATAL CHONDRODYSTROPHY, TYPE I; SHORT-RIB THORACIC DYSPLASIA 3/6 WITH POLYDACTYLY, DIGENIC; Short rib polydactyly syndrome 2B; Saldino-Noonan Syndrome. Identifiers: Orphanet 474, Orphanet 93269, Orphanet 93270, Orphanet 93271, MedGen C0036069, MONDO:0013127, OMIM 613091.

Submission:

Myriad Genetics, Inc.
Classification: Pathogenic for Asphyxiating thoracic dystrophy 3. Last evaluated: 2026-04-06. Review status: criteria provided, single submitter. Criteria: Myriad Autosomal Dominant, Autosomal Recessive and X-Linked Classification Criteria (2023). Collection method: clinical testing. Allele origin: unknown.
Comment: NM_001377.2(DYNC2H1):c.7362_7363delGAinsT(K2455Rfs*15) is expected to be pathogenic in the context of DYNC2H1-related disorders. This variant is predicted to lead to an abnormal or absent protein product due to the creation of a premature termination codon in DYNC2H1, a gene where loss-of-function variants are known to be pathogenic. Please note: this variant was assessed in the context of healthy population screening.

NM_001377.3(DYNC2H1):c.7362_7363delinsT (p.Lys2455fs)

Gene: DYNC2H1 (dynein cytoplasmic 2 heavy chain 1; plus strand). Cytogenetic location: 11q22.3.
Variant type: Indel.
Coding change: c.7362_7363delinsT on transcript NM_001377.3 (MANE Select); coding-DNA positions 7362 to 7363, GA replaced by T.
Protein change: p.Lys2455fs; shifts the reading frame from lysine 2455.
Molecular consequence: frameshift variant.
Genome position (GRCh38, 1-based): chr11:103,189,741-103,189,742, GA replaced by T. VCF-style: chr11-103189741-GA-T. GRCh37 (hg19) VCF-style: chr11-103060470-GA-T.
Other names: c.7362_7363delinsT, p.Lys2455fs (NM_001080463.2); short protein forms K2455fs.
Identifiers: ClinVar variation 5015775 (VCV005015775.1).
Genomic context (GRCh38, chr11:103,189,741, plus strand): 5'-AAGAGAGCAGTTACAAACGATTTATGGAGCATATTTGGAACCAGTTCTACATAAAAATCT[GA>T]AGAATCATTCTATTTGGGGTTCTTCATCAAAAATTTATCTTTTAGCAGGATCTATGGTAC-3'